The following is an entry in ClinVar:

NM_001142864.4(PIEZO1):c.1495G>A (p.Val499Ile)

Genes: HSALR1 (HSP90AB1 associated lncRNA 1; plus strand), PIEZO1 (piezo type mechanosensitive ion channel component 1 (Er blood group); minus strand). Cytogenetic location: 16q24.3.
Variant type: single nucleotide variant.
Coding change: c.1495G>A on transcript NM_001142864.4 (MANE Select); coding-DNA position 1495, G replaced by A.
Protein change: p.Val499Ile; replaces valine 499 with isoleucine.
Molecular consequence: missense variant.
Genome position (GRCh38, 1-based): chr16:88,736,210, C>T on the plus strand (G>A on the coding strand, the complement: PIEZO1 is on the minus strand). VCF-style: chr16-88736210-C-T. GRCh37 (hg19) VCF-style: chr16-88802618-C-T.
Other names: p.Val499Ile; c.1495G>A (NM_001142864.3, NM_001142864.2); short protein forms V499I.
Identifiers: ClinVar variation 1206037 (VCV001206037.40), dbSNP rs530486445, ClinGen allele CA8232990.

ClinVar aggregate classification (germline): Conflicting classifications of pathogenicity. Review status: criteria provided, conflicting classifications (1 of 4 stars). 12 submissions from 12 submitters: Uncertain significance (4); Likely benign (5). 3 of the submissions do not count toward it. Last evaluated 2026-02-16.

Conditions:
PIEZO1-related disorder. Also called: PIEZO1-related condition; PIEZO1-Related Disorders.
Inborn genetic diseases. Identifiers: MedGen C0950123, MeSH D030342.

Allele frequency attached by ClinVar (database versions not stated): 1000 Genomes Project 30x 0.00031; 1000 Genomes Project 0.00040; ExAC 0.00050; gnomAD 0.00065 and 0.00070; TOPMed 0.00068; gnomAD exomes 0.00069 and 0.00093.
gnomAD v4.1: 1,396 of 1,549,760 alleles (0.09%); highest among the groups gnomAD compares: Middle Eastern, 0.78%; 3 homozygotes.

Submissions (12):

PreventionGenetics, part of Exact Sciences
Classification: Uncertain significance for PIEZO1-related condition. Last evaluated: 2026-02-16. Review status: criteria provided, single submitter. Criteria: ACMG Guidelines, 2015. Collection method: clinical testing. Allele origin: germline.
Comment: The PIEZO1 c.1495G>A variant is predicted to result in the amino acid substitution p.Val499Ile. This variant has been reported in the compound heterozygous state in a fetus with nonimmune hydrops fetalis (Al-Kouatly et al. 2021. PubMed ID: 33686258). This variant is reported in 0.15% of alleles in individuals of Ashkenazi Jewish descent in gnomAD, which may be too common to be causative. While this variant may be benign, at this time, the clinical significance of this variant is uncertain due to the absence of conclusive functional and genetic evidence.

Labcorp Genetics (formerly Invitae), Labcorp
Classification: Likely benign. Last evaluated: 2025-11-12. Review status: criteria provided, single submitter. Criteria: Invitae Variant Classification Sherloc (09022015). Collection method: clinical testing. Allele origin: germline.

GeneDx
Classification: Uncertain significance. Last evaluated: 2025-10-09. Review status: criteria provided, single submitter. Criteria: GeneDx Variant Classification Process June 2021. Collection method: clinical testing. Allele origin: germline.
Comment: Reported as a single heterozygous variant in a fetus with cystic hygroma (PMID: 33686258); Observed in a patient with fetal hydrops, chylothorax, and edema of the legs; however, two PIEZO1 loss of function variants were also identified (PMID: 37159433); In silico analysis suggests that this missense variant does not alter protein structure/function; This variant is associated with the following publications: (PMID: Terri2022[Abstract], 33686258, 37159433)

Mayo Clinic Laboratories, Mayo Clinic
Classification: Likely benign. Last evaluated: 2025-07-31. Review status: criteria provided, single submitter. Criteria: ACMG Guidelines, 2015. Collection method: clinical testing. Allele origin: germline. Observed: 14 variant alleles.
Comment: BP4

Blueprint Genetics
Classification: Likely benign. Last evaluated: 2024-11-25. Review status: criteria provided, single submitter. Criteria: ACMG Guidelines, 2015. Collection method: clinical testing. Allele origin: germline.

ARUP Laboratories, Molecular Genetics and Genomics, ARUP Laboratories
Classification: Likely benign. Last evaluated: 2024-05-15. Review status: criteria provided, single submitter. Criteria: ARUP Molecular Germline Variant Investigation Process 2024. Collection method: clinical testing. Allele origin: germline.

CeGaT Center for Human Genetics Tuebingen
Classification: Uncertain significance. Last evaluated: 2024-03-01. Review status: criteria provided, single submitter. Criteria: CeGaT Center For Human Genetics Tuebingen Variant Classification Criteria Version 2. Collection method: clinical testing. Allele origin: germline. Affected: yes. Observed: 2 variant alleles.

Ambry Genetics
Classification: Uncertain significance for Inborn genetic diseases. Last evaluated: 2021-08-16. Review status: criteria provided, single submitter. Criteria: Ambry Variant Classification Scheme 2023. Collection method: clinical testing. Allele origin: germline.

Breakthrough Genomics
Classification: Likely benign. Review status: criteria provided, single submitter. Criteria: ACMG Guidelines, 2015. Collection method: not provided. Allele origin: germline. Inheritance: Autosomal recessive inheritance. Affected: yes.

Clinical Genetics DNA and cytogenetics Diagnostics Lab, Erasmus MC, Erasmus Medical Center
Classification: Likely benign. Review status: no assertion criteria provided. Collection method: clinical testing. Allele origin: germline. Affected: yes. Study: VKGL Data-share Consensus. Not counted in ClinVar's aggregate classification.

Genome Diagnostics Laboratory, University Medical Center Utrecht
Classification: Likely benign. Review status: no assertion criteria provided. Collection method: clinical testing. Allele origin: germline. Affected: yes. Study: VKGL Data-share Consensus. Not counted in ClinVar's aggregate classification.

Laboratory of Diagnostic Genome Analysis, Leiden University Medical Center (LUMC)
Classification: Likely benign. Review status: no assertion criteria provided. Collection method: clinical testing. Allele origin: germline. Affected: yes. Study: VKGL Data-share Consensus. Not counted in ClinVar's aggregate classification.

Literature cited by the submitters: PubMed 33686258 (cited by Mayo Clinic Laboratories, Mayo Clinic); PubMed 37159433 (cited by Mayo Clinic Laboratories, Mayo Clinic).